The following is an entry in ClinVar:

NM_002234.4(KCNA5):c.1214T>C (p.Val405Ala)

Gene: KCNA5 (potassium voltage-gated channel subfamily A member 5; plus strand). Cytogenetic location: 12p13.32.
Variant type: single nucleotide variant.
Coding change: c.1214T>C on transcript NM_002234.4 (MANE Select); coding-DNA position 1214, T replaced by C.
Protein change: p.Val405Ala; replaces valine 405 with alanine.
Molecular consequence: missense variant.
Genome position (GRCh38, 1-based): chr12:5,045,361, T>C. VCF-style: chr12-5045361-T-C. GRCh37 (hg19) VCF-style: chr12-5154527-T-C.
Other names: short protein forms V405A.
Identifiers: ClinVar variation 4807475 (VCV004807475.1).

ClinVar aggregate classification (germline): Uncertain significance (1 of 4 stars; one submission).

Conditions:
Atrial fibrillation, familial, 7 (ATFB7). Identifiers: MedGen C2677106, MONDO:0012828, OMIM 612240.

gnomAD v4.1: 4 of 1,613,652 alleles (0.00025%); highest among the groups gnomAD compares: Non-Finnish European, 0.00034%; no homozygotes.

Submission:

Labcorp Genetics (formerly Invitae), Labcorp
Classification: Uncertain significance for Atrial fibrillation, familial, 7. Last evaluated: 2025-10-01. Review status: criteria provided, single submitter. Criteria: Invitae Variant Classification Sherloc (09022015). Collection method: clinical testing. Allele origin: germline.
Comment: This sequence change replaces valine, which is neutral and non-polar, with alanine, which is neutral and non-polar, at codon 405 of the KCNA5 protein (p.Val405Ala). This variant is not present in population databases (gnomAD no frequency). This variant has not been reported in the literature in individuals affected with KCNA5-related conditions. Invitae Evidence Modeling of protein sequence and biophysical properties (such as structural, functional, and spatial information, amino acid conservation, physicochemical variation, residue mobility, and thermodynamic stability) indicates that this missense variant is expected to disrupt KCNA5 protein function with a positive predictive value of 80%. In summary, the available evidence is currently insufficient to determine the role of this variant in disease. Therefore, it has been classified as a Variant of Uncertain Significance.